The following is an entry in ClinVar:

NM_001256317.3(TMPRSS3):c.95-2A>C

Gene: TMPRSS3 (transmembrane serine protease 3; minus strand). Cytogenetic location: 21q22.3.
Variant type: single nucleotide variant.
Coding change: c.95-2A>C on transcript NM_001256317.3 (MANE Select); the canonical splice acceptor site of the intron before coding-DNA position 95, A replaced by C.
Molecular consequence: splice acceptor variant.
Genome position (GRCh38, 1-based): chr21:42,390,039, T>G on the plus strand (A>C on the coding strand, the complement: TMPRSS3 is on the minus strand). VCF-style: chr21-42390039-T-G. GRCh37 (hg19) VCF-style: chr21-43810148-T-G.
Other names: c.95-2A>C (NM_024022.4, NM_032405.2).
Identifiers: ClinVar variation 2709966 (VCV002709966.3), dbSNP rs777100179, ClinGen allele CA410376053.

ClinVar aggregate classification (germline): Likely pathogenic (1 of 4 stars; one submission).

Submission:

Labcorp Genetics (formerly Invitae), Labcorp
Classification: Likely pathogenic. Last evaluated: 2024-01-25. Review status: criteria provided, single submitter. Criteria: Invitae Variant Classification Sherloc (09022015). Collection method: clinical testing. Allele origin: germline.
Comment: This sequence change affects an acceptor splice site in intron 2 of the TMPRSS3 gene. It is expected to disrupt RNA splicing. Variants that disrupt the donor or acceptor splice site typically lead to a loss of protein function (PMID: 16199547), and loss-of-function variants in TMPRSS3 are known to be pathogenic (PMID: 16021470, 26969326). This variant is not present in population databases (gnomAD no frequency). This variant has not been reported in the literature in individuals affected with TMPRSS3-related conditions. Algorithms developed to predict the effect of sequence changes on RNA splicing suggest that this variant may disrupt the consensus splice site. In summary, the currently available evidence indicates that the variant is pathogenic, but additional data are needed to prove that conclusively. Therefore, this variant has been classified as Likely Pathogenic.

Literature cited by the submitters: PubMed 16199547; PubMed 16021470; PubMed 26969326.